The following is an entry in ClinVar:

ClinVar aggregate classification (germline): Uncertain significance (1 of 4 stars; one submission).

Conditions:
Inborn genetic diseases. Identifiers: MedGen C0950123, MeSH D030342.

Submission:

Ambry Genetics
Classification: Uncertain significance for Inborn genetic diseases. Last evaluated: 2026-03-22. Review status: criteria provided, single submitter. Criteria: Ambry Variant Classification Scheme 2023. Collection method: clinical testing. Allele origin: germline.
Comment: The p.E464D variant (also known as c.1392G>C), located in coding exon 13 of the AKT1 gene, results from a G to C substitution at nucleotide position 1392. The glutamic acid at codon 464 is replaced by aspartic acid, an amino acid with highly similar properties. This amino acid position is conserved. In addition, this alteration is predicted to be tolerated by in silico analysis. Based on the available evidence, the clinical significance of this variant remains unclear.

NM_001382430.1(AKT1):c.1392G>C (p.Glu464Asp)

Gene: AKT1 (AKT serine/threonine kinase 1; minus strand). Cytogenetic location: 14q32.33.
Variant type: single nucleotide variant.
Coding change: c.1392G>C on transcript NM_001382430.1 (MANE Select); coding-DNA position 1392, G replaced by C.
Protein change: p.Glu464Asp; replaces glutamic acid 464 with aspartic acid.
Molecular consequence: missense variant.
Genome position (GRCh38, 1-based): chr14:104,770,392, C>G on the plus strand (G>C on the coding strand, the complement: AKT1 is on the minus strand). VCF-style: chr14-104770392-C-G. GRCh37 (hg19) VCF-style: chr14-105236729-C-G.
Other names: c.1392G>C, p.Glu464Asp (NM_001014431.2, NM_001014432.2, NM_001382431.1 and 3 more transcripts); short protein forms E464D.
Identifiers: ClinVar variation 4869194 (VCV004869194.1).